The following is an entry in ClinVar:

ClinVar aggregate classification (germline): Uncertain significance (1 of 4 stars; one submission).

gnomAD v4.1: 7 of 1,595,782 alleles (0.00044%); highest among the groups gnomAD compares: African/African-American, 0.0094%; no homozygotes.

Submission:

Dasa
Classification: Uncertain significance. Last evaluated: 2025-11-13. Review status: criteria provided, single submitter. Criteria: DASA Assertion Criteria. Collection method: clinical testing. Allele origin: germline.
Comment: NM_014727.3(KMT2B):c.3151G>T (p.Ala1051Ser) is a missense variant that results in the substitution of alanine with serine. This variant is rare in population databases. The currently available literature and clinical evidence are not sufficient to establish a definitive association between this variant and the reported condition. Therefore, this variant is classified as a variant of uncertain significance.

NM_014727.3(KMT2B):c.3151G>T (p.Ala1051Ser)

Gene: KMT2B (lysine methyltransferase 2B; plus strand). Cytogenetic location: 19q13.12.
Variant type: single nucleotide variant.
Coding change: c.3151G>T on transcript NM_014727.3 (MANE Select); coding-DNA position 3151, G replaced by T.
Protein change: p.Ala1051Ser; replaces alanine 1051 with serine.
Molecular consequence: missense variant.
Genome position (GRCh38, 1-based): chr19:35,723,824, G>T. VCF-style: chr19-35723824-G-T. GRCh37 (hg19) VCF-style: chr19-36214725-G-T.
Other names: short protein forms A1051S.
Identifiers: ClinVar variation 4883605 (VCV004883605.2).